The following is an entry in ClinVar:

NM_138576.4(BCL11B):c.842A>G (p.Asn281Ser)

Gene: BCL11B (BCL11 transcription factor B; minus strand). Cytogenetic location: 14q32.2.
Variant type: single nucleotide variant.
Coding change: c.842A>G on transcript NM_138576.4 (MANE Select); coding-DNA position 842, A replaced by G.
Protein change: p.Asn281Ser; replaces asparagine 281 with serine.
Molecular consequence: missense variant.
Genome position (GRCh38, 1-based): chr14:99,175,994, T>C on the plus strand (A>G on the coding strand, the complement: BCL11B is on the minus strand). VCF-style: chr14-99175994-T-C. GRCh37 (hg19) VCF-style: chr14-99642331-T-C.
Other names: c.839A>G, p.Asn280Ser (NM_001282237.2); c.626A>G, p.Asn209Ser (NM_001282238.2); c.629A>G, p.Asn210Ser (NM_022898.3); short protein forms N209S, N210S, N280S, N281S.
Identifiers: ClinVar variation 3364703 (VCV003364703.1).

ClinVar aggregate classification (germline): Uncertain significance (1 of 4 stars; one submission).

Submission:

GeneDx
Classification: Uncertain significance. Last evaluated: 2023-11-19. Review status: criteria provided, single submitter. Criteria: GeneDx Variant Classification Process June 2021. Collection method: clinical testing. Allele origin: germline. Affected: yes.
Comment: Has not been previously published as pathogenic or benign to our knowledge; Not observed at significant frequency in large population cohorts (gnomAD); In silico analysis supports that this missense variant does not alter protein structure/function